The following is an entry in ClinVar:

NM_001349338.3(FOXP1):c.574C>G (p.Gln192Glu)

Gene: FOXP1 (forkhead box P1; minus strand). Cytogenetic location: 3p13.
Variant type: single nucleotide variant.
Coding change: c.574C>G on transcript NM_001349338.3 (MANE Select); coding-DNA position 574, C replaced by G.
Protein change: p.Gln192Glu; replaces glutamine 192 with glutamic acid.
Molecular consequence: missense variant. On other transcripts: non-coding transcript variant (2).
Genome position (GRCh38, 1-based): chr3:71,047,032, G>C on the plus strand (C>G on the coding strand, the complement: FOXP1 is on the minus strand). VCF-style: chr3-71047032-G-C. GRCh37 (hg19) VCF-style: chr3-71096183-G-C.
Other names: c.574C>G, p.Gln192Glu (NM_001244808.3, NM_001244810.2, NM_001244814.3 and 3 more transcripts); c.346C>G, p.Gln116Glu (NM_001244812.3); c.274C>G, p.Gln92Glu (NM_001244813.3, NM_001244815.2, NM_001349342.3 and 1 more transcripts); c.271C>G, p.Gln91Glu (NM_001349337.2, NM_001349343.3, NM_001349344.3); c.571C>G, p.Gln191Glu (NM_001349341.3); short protein forms Q116E, Q191E, Q192E, Q91E, Q92E.
Identifiers: ClinVar variation 4086652 (VCV004086652.1).

ClinVar aggregate classification (germline): Uncertain significance (1 of 4 stars; one submission).

gnomAD v4.1: 3 of 1,613,990 alleles (0.00019%); highest among the groups gnomAD compares: African/African-American, 0.0013%; no homozygotes.

Submission:

GeneDx
Classification: Uncertain significance. Last evaluated: 2025-03-18. Review status: criteria provided, single submitter. Criteria: GeneDx Variant Classification Process June 2021. Collection method: clinical testing. Allele origin: germline. Affected: yes.
Comment: Not observed at significant frequency in large population cohorts (gnomAD); In silico analysis indicates that this missense variant does not alter protein structure/function; Has not been previously published as pathogenic or benign to our knowledge